The following is an entry in ClinVar:

ClinVar aggregate classification (germline): Uncertain significance. Review status: criteria provided, multiple submitters, no conflicts (2 of 4 stars). 3 submissions from 3 submitters: Uncertain significance (2). 1 of the submissions does not count toward it. Last evaluated 2025-07-10.

Conditions:
KIDINS220-related disorder. Also called: KIDINS220-related condition.
Inborn genetic diseases. Identifiers: MedGen C0950123, MeSH D030342.

Allele frequency attached by ClinVar (database versions not stated): gnomAD 0.00001; gnomAD exomes 0.00001; ExAC 0.00002.
gnomAD v4.1: 12 of 1,613,718 alleles (0.00074%); highest among the groups gnomAD compares: Middle Eastern, 0.016%; no homozygotes.

Submissions (3):

Labcorp Genetics (formerly Invitae), Labcorp
Classification: Uncertain significance. Last evaluated: 2025-07-10. Review status: criteria provided, single submitter. Criteria: Invitae Variant Classification Sherloc (09022015). Collection method: clinical testing. Allele origin: germline.
Comment: This sequence change replaces tryptophan, which is neutral and slightly polar, with cysteine, which is neutral and slightly polar, at codon 930 of the KIDINS220 protein (p.Trp930Cys). This variant is present in population databases (rs746257424, gnomAD 0.007%). This variant has not been reported in the literature in individuals affected with KIDINS220-related conditions. ClinVar contains an entry for this variant (Variation ID: 2046986). An algorithm developed to predict the effect of missense changes on protein structure and function (PolyPhen-2) suggests that this variant is likely to be disruptive. In summary, the available evidence is currently insufficient to determine the role of this variant in disease. Therefore, it has been classified as a Variant of Uncertain Significance.

Ambry Genetics
Classification: Uncertain significance for Inborn genetic diseases. Last evaluated: 2025-06-11. Review status: criteria provided, single submitter. Criteria: Ambry Variant Classification Scheme 2023. Collection method: clinical testing. Allele origin: germline.

PreventionGenetics, part of Exact Sciences
Classification: Uncertain significance for KIDINS220-related condition. Last evaluated: 2024-02-14. Review status: no assertion criteria provided. Collection method: clinical testing. Allele origin: germline. Not counted in ClinVar's aggregate classification.
Comment: The KIDINS220 c.2790G>C variant is predicted to result in the amino acid substitution p.Trp930Cys. To our knowledge, this variant has not been reported in the literature. This variant is reported in 0.0065% of alleles in individuals of African descent in gnomAD. At this time, the clinical significance of this variant is uncertain due to the absence of conclusive functional and genetic evidence.

NM_020738.4(KIDINS220):c.2790G>C (p.Trp930Cys)

Gene: KIDINS220 (kinase D interacting substrate 220; minus strand). Cytogenetic location: 2p25.1.
Variant type: single nucleotide variant.
Coding change: c.2790G>C on transcript NM_020738.4 (MANE Select); coding-DNA position 2790, G replaced by C.
Protein change: p.Trp930Cys; replaces tryptophan 930 with cysteine.
Molecular consequence: missense variant. On other transcripts: non-coding transcript variant (2).
Genome position (GRCh38, 1-based): chr2:8,776,806, C>G on the plus strand (G>C on the coding strand, the complement: KIDINS220 is on the minus strand). VCF-style: chr2-8776806-C-G. GRCh37 (hg19) VCF-style: chr2-8916936-C-G.
Other names: c.2793G>C, p.Trp931Cys (NM_001348729.2, NM_001348731.2, NM_001348734.2 and 3 more transcripts); c.2790G>C, p.Trp930Cys (NM_001348732.2, NM_001348735.2, NM_001348738.2 and 3 more transcripts); c.2664G>C, p.Trp888Cys (NM_001348736.2); c.2790G>C (NM_020738.2); short protein forms W931C, W930C, W888C.
Identifiers: ClinVar variation 2046986 (VCV002046986.6), dbSNP rs746257424, ClinGen allele CA1519877.